The following is an entry in ClinVar:

ClinVar aggregate classification (germline): Likely benign (1 of 4 stars; one submission).

Conditions:
Galactosemia 4. Also called: GALACTOSE MUTAROTASE DEFICIENCY; GALACTOSEMIA IV. Identifiers: Orphanet 570422, MedGen C5394377, MONDO:0030105, OMIM 618881.

gnomAD v4.1: 46 of 1,613,608 alleles (0.0029%); highest among the groups gnomAD compares: South Asian, 0.015%; no homozygotes.

Submission:

Centre for Medical Genetics,  Mumbai
Classification: Likely benign for Galactosemia 4. Last evaluated: 2026-02-17. Review status: criteria provided, single submitter. Criteria: ACMG Guidelines, 2015. Collection method: provider interpretation. Allele origin: germline. Inheritance: Autosomal recessive inheritance. Affected: no. Observed: 1 homozygote.
Comment: The variant satisfies PM2 criteria; extremely low frequency in gnomAD population databases. The variant satisfies BP4 criteria; for a missense or a splice region variant, computational prediction tools unanimously support a benign effect on the gene. However, the variant satisfies BS2 criteria.

Literature cited by the submitters: PubMed 30451973.

NM_138801.3(GALM):c.955C>T (p.Arg319Cys)

Gene: GALM (galactose mutarotase; plus strand). Cytogenetic location: 2p22.1.
Variant type: single nucleotide variant.
Coding change: c.955C>T on transcript NM_138801.3 (MANE Select); coding-DNA position 955, C replaced by T.
Protein change: p.Arg319Cys; replaces arginine 319 with cysteine.
Molecular consequence: missense variant.
Genome position (GRCh38, 1-based): chr2:38,733,491, C>T. VCF-style: chr2-38733491-C-T. GRCh37 (hg19) VCF-style: chr2-38960633-C-T.
Other names: short protein forms R319C.
Identifiers: ClinVar variation 4795867 (VCV004795867.1).